The following is an entry in ClinVar:

ClinVar aggregate classification (germline): Uncertain significance. Review status: criteria provided, single submitter (1 of 4 stars). 2 submissions from 2 submitters: Uncertain significance (1). 1 of the submissions does not count toward it. Last evaluated 2026-01-07.

Conditions:
Biotin-responsive basal ganglia disease (BTBGD). Also called: Thiamine metabolism dysfunction syndrome type 2; Thiamine metabolism dysfunction syndrome 2 (biotin- or thiamine-responsive encephalopathy type 2); thiamine-responsive encephalopathy; Thiamine Transporter-2 Deficiency; THIAMINE METABOLISM DYSFUNCTION SYNDROME 2 (BIOTIN- AND THIAMINE-RESPONSIVE TYPE). Identifiers: Orphanet 199348, Orphanet 65284, MedGen C1843807, MONDO:0011841, OMIM 607483.

Submissions (2):

Women's Health and Genetics/Laboratory Corporation of America, LabCorp
Classification: Uncertain significance. Last evaluated: 2026-01-07. Review status: criteria provided, single submitter. Criteria: LabCorp Variant Classification Summary - May 2015. Collection method: clinical testing. Allele origin: germline.
Comment: Variant summary: SLC19A3 c.905T>C (p.Leu302Pro) results in a non-conservative amino acid change in the encoded protein sequence. Algorithms developed to predict the effect of missense changes on protein structure and function all suggest that this variant is likely to be disruptive. The variant was absent in 251446 control chromosomes. c.905T>C has been observed in the homozygous state in at least 1 individual(s) affected with leukodystrophy (example, Ashrafi_2023, Hosseinpour_2024). These data indicate that the variant may be associated with disease. To our knowledge, no experimental evidence demonstrating an impact on protein function has been reported. The following publications have been ascertained in the context of this evaluation (PMID: 37670342, 37597066, 28671688, 38129218). ClinVar contains an entry for this variant (Variation ID: 917540). Based on the evidence outlined above, the variant was classified as VUS-possibly pathogenic.

Myelin Disorders Clinic-Children's Medical Center/Medical Genetics Lab-Tarbiat Modares University, Children's Medical Center, Pediatrics Center of Excellence,
Classification: Likely pathogenic for Biotin-responsive basal ganglia disease. Review status: no assertion criteria provided. Collection method: clinical testing. Allele origin: inherited. Inheritance: Autosomal recessive inheritance. Affected: yes. Not counted in ClinVar's aggregate classification.

Literature cited by the submitters: PubMed 37597066 (cited by Women's Health and Genetics/Laboratory Corporation of America, LabCorp); PubMed 37670342 (cited by Women's Health and Genetics/Laboratory Corporation of America, LabCorp); PubMed 28671688 (cited by Women's Health and Genetics/Laboratory Corporation of America, LabCorp); PubMed 38129218 (cited by Women's Health and Genetics/Laboratory Corporation of America, LabCorp).

NM_025243.4(SLC19A3):c.905T>C (p.Leu302Pro)

Gene: SLC19A3 (solute carrier family 19 member 3; minus strand). Cytogenetic location: 2q36.3.
Variant type: single nucleotide variant.
Coding change: c.905T>C on transcript NM_025243.4 (MANE Select); coding-DNA position 905, T replaced by C.
Protein change: p.Leu302Pro; replaces leucine 302 with proline.
Molecular consequence: missense variant.
Genome position (GRCh38, 1-based): chr2:227,698,810, A>G on the plus strand (T>C on the coding strand, the complement: SLC19A3 is on the minus strand). VCF-style: chr2-227698810-A-G. GRCh37 (hg19) VCF-style: chr2-228563526-A-G.
Other names: c.905T>C, p.Leu302Pro (NM_001371411.1, NM_001371412.1); c.893T>C, p.Leu298Pro (NM_001371413.1, NM_001371414.1); short protein forms L302P, L298P.
Identifiers: ClinVar variation 917540 (VCV000917540.4), dbSNP rs1695547539, ClinGen allele CA350876207.